The following is an entry in ClinVar:

NM_001350162.2(TEX15):c.6906_6907del (p.Arg2302fs)

Gene: TEX15 (testis expressed 15, meiosis and synapsis associated; minus strand). Cytogenetic location: 8p12.
Variant type: Microsatellite.
Coding change: c.6906_6907del on transcript NM_001350162.2 (MANE Select); coding-DNA positions 6906 to 6907, 2 bases deleted (AG; older notation c.6906_6907delAG).
Protein change: p.Arg2302fs; shifts the reading frame from arginine 2302.
Molecular consequence: frameshift variant.
Genome position (GRCh38, 1-based): chr8:30,843,260-30,843,261, CT deleted on the plus strand (AG on the coding strand, the reverse complement: TEX15 is on the minus strand); deleting any 2 consecutive bases within chr8:30,843,260-30,843,263 gives the same sequence; the c. name uses the placement nearest the transcript's 3' end. VCF-style (leftmost placement, unchanged base first): chr8-30843259-ACT-A. GRCh37 (hg19) VCF-style: chr8-30700775-ACT-A.
Other names: short protein forms R2302fs.
Identifiers: ClinVar variation 1071185 (VCV001071185.2), dbSNP rs751384082, ClinGen allele CA4702600.

ClinVar aggregate classification (germline): Pathogenic (1 of 4 stars; one submission).

Submission:

Labcorp Genetics (formerly Invitae), Labcorp
Classification: Pathogenic. Last evaluated: 2017-04-21. Review status: criteria provided, single submitter. Criteria: Invitae Variant Classification Sherloc (09022015). Collection method: clinical testing. Allele origin: germline.
Comment: This sequence change deletes 2 nucleotides from exon 1 of the TEX15 mRNA (c.5757_5758delAG), causing a frameshift at codon 1919. This creates a premature translational stop signal (p.Arg1919Serfs*3) and is expected to result in an absent or disrupted protein product. While this particular variant has not been reported in the literature, loss-of-function variants in TEX15 are known to be pathogenic (PMID: 26199321, 28303806). For these reasons, this variant has been classified as Pathogenic.

Literature cited by the submitters: PubMed 26199321; PubMed 28303806.